The following is an entry in ClinVar:

NM_018368.4(LMBRD1):c.1214C>G (p.Thr405Ser)

Gene: LMBRD1 (LMBR1 domain containing 1; minus strand). Cytogenetic location: 6q13.
Variant type: single nucleotide variant.
Coding change: c.1214C>G on transcript NM_018368.4 (MANE Select); coding-DNA position 1214, C replaced by G.
Protein change: p.Thr405Ser; replaces threonine 405 with serine.
Molecular consequence: missense variant.
Genome position (GRCh38, 1-based): chr6:69,699,167, G>C on the plus strand (C>G on the coding strand, the complement: LMBRD1 is on the minus strand). VCF-style: chr6-69699167-G-C. GRCh37 (hg19) VCF-style: chr6-70409059-G-C.
Other names: c.995C>G, p.Thr332Ser (NM_001363722.2, NM_001367271.1, NM_001367272.1); short protein forms T405S, T332S.
Identifiers: ClinVar variation 580738 (VCV000580738.9), dbSNP rs561265847, ClinGen allele CA3879627.

ClinVar aggregate classification (germline): Uncertain significance. Review status: criteria provided, multiple submitters, no conflicts (2 of 4 stars). 3 submissions from 3 submitters: Uncertain significance (3). Last evaluated 2025-10-23.

Conditions:
Methylmalonic aciduria and homocystinuria type cblF. Also called: METHYLMALONIC ACIDEMIA AND HOMOCYSTINURIA, cblF TYPE; METHYLMALONIC ACIDURIA DUE TO VITAMIN B12-RELEASE DEFECT; VITAMIN B12 LYSOSOMAL RELEASE DEFECT; VITAMIN B12 STORAGE DISEASE; COBALAMIN F DISEASE; COBALAMIN, DEFECT IN LYSOSOMAL RELEASE OF. Identifiers: Orphanet 79284, MedGen C1848578, MONDO:0010183, OMIM 277380.
Inborn genetic diseases. Identifiers: MedGen C0950123, MeSH D030342.

Allele frequency attached by ClinVar (database versions not stated): gnomAD 0.00001; TOPMed 0.00003; gnomAD exomes 0.00004 and 0.00008; ExAC 0.00008; 1000 Genomes Project 0.00020; 1000 Genomes Project 30x 0.00031.
gnomAD v4.1: 30 of 1,611,698 alleles (0.0019%); highest among the groups gnomAD compares: Admixed American, 0.032%; 1 homozygote.

Submissions (3):

Labcorp Genetics (formerly Invitae), Labcorp
Classification: Uncertain significance for Methylmalonic aciduria and homocystinuria type cblF. Last evaluated: 2025-10-23. Review status: criteria provided, single submitter. Criteria: Invitae Variant Classification Sherloc (09022015). Collection method: clinical testing. Allele origin: germline.
Comment: This sequence change replaces threonine, which is neutral and polar, with serine, which is neutral and polar, at codon 405 of the LMBRD1 protein (p.Thr405Ser). This variant is present in population databases (rs561265847, gnomAD 0.04%), including at least one homozygous and/or hemizygous individual. This variant has not been reported in the literature in individuals affected with LMBRD1-related conditions. ClinVar contains an entry for this variant (Variation ID: 580738). Invitae Evidence Modeling of protein sequence and biophysical properties (such as structural, functional, and spatial information, amino acid conservation, physicochemical variation, residue mobility, and thermodynamic stability) indicates that this missense variant is not expected to disrupt LMBRD1 protein function with a negative predictive value of 80%. In summary, the available evidence is currently insufficient to determine the role of this variant in disease. Therefore, it has been classified as a Variant of Uncertain Significance.

Ambry Genetics
Classification: Uncertain significance for Inborn genetic diseases. Last evaluated: 2024-01-04. Review status: criteria provided, single submitter. Criteria: Ambry Variant Classification Scheme 2023. Collection method: clinical testing. Allele origin: germline.

Baylor Genetics
Classification: Uncertain significance for Methylmalonic aciduria and homocystinuria type cblF. Last evaluated: 2023-07-17. Review status: criteria provided, single submitter. Criteria: ACMG Guidelines, 2015. Collection method: clinical testing. Allele origin: unknown.